The following is an entry in ClinVar:

NM_001458.5(FLNC):c.1691A>T (p.Gln564Leu)

Gene: FLNC (filamin C; plus strand). Cytogenetic location: 7q32.1.
Variant type: single nucleotide variant.
Coding change: c.1691A>T on transcript NM_001458.5 (MANE Select); coding-DNA position 1691, A replaced by T.
Protein change: p.Gln564Leu; replaces glutamine 564 with leucine.
Molecular consequence: missense variant.
Genome position (GRCh38, 1-based): chr7:128,840,848, A>T. VCF-style: chr7-128840848-A-T. GRCh37 (hg19) VCF-style: chr7-128480902-A-T.
Other names: c.1691A>T, p.Gln564Leu (NM_001127487.2); short protein forms Q564L.
Identifiers: ClinVar variation 2442568 (VCV002442568.3), dbSNP rs2536627075, ClinGen allele CA369226871.

ClinVar aggregate classification (germline): Uncertain significance. Review status: criteria provided, multiple submitters, no conflicts (2 of 4 stars). 2 submissions from 2 submitters: Uncertain significance (2). Last evaluated 2025-08-06.

Conditions:
Myofibrillar myopathy 5. Also called: Filaminopathy (type); FILAMINOPATHY, AUTOSOMAL DOMINANT. Identifiers: Orphanet 171445, MedGen C1836050, MONDO:0012289, OMIM 609524.
Distal myopathy with posterior leg and anterior hand involvement. Also called: WILLIAMS DISTAL MYOPATHY. Identifiers: Orphanet 63273, MedGen C3279722, MONDO:0013550, OMIM 614065.
Hypertrophic cardiomyopathy 26. Also called: Cardiomyopathy, familial hypertrophic, 26. Identifiers: Orphanet 75249, MedGen C4310749, MONDO:0014883, OMIM 617047.

Allele frequency attached by ClinVar (database versions not stated): gnomAD exomes below 0.00001.
gnomAD v4.1: 3 of 1,613,806 alleles (0.00019%); highest among the groups gnomAD compares: Non-Finnish European, 0.00025%; no homozygotes.

Submissions (2):

Labcorp Genetics (formerly Invitae), Labcorp
Classification: Uncertain significance for Distal myopathy with posterior leg and anterior hand involvement; Myofibrillar myopathy 5; Hypertrophic cardiomyopathy 26. Last evaluated: 2025-08-06. Review status: criteria provided, single submitter. Criteria: Invitae Variant Classification Sherloc (09022015). Collection method: clinical testing. Allele origin: germline.
Comment: This sequence change replaces glutamine, which is neutral and polar, with leucine, which is neutral and non-polar, at codon 564 of the FLNC protein (p.Gln564Leu). This variant is not present in population databases (gnomAD no frequency). This variant has not been reported in the literature in individuals affected with FLNC-related conditions. ClinVar contains an entry for this variant (Variation ID: 2442568). Invitae Evidence Modeling of protein sequence and biophysical properties (such as structural, functional, and spatial information, amino acid conservation, physicochemical variation, residue mobility, and thermodynamic stability) has been performed for this missense variant. However, the output from this modeling did not meet the statistical confidence thresholds required to predict the impact of this variant on FLNC protein function. In summary, the available evidence is currently insufficient to determine the role of this variant in disease. Therefore, it has been classified as a Variant of Uncertain Significance.

GeneDx
Classification: Uncertain significance. Last evaluated: 2025-02-26. Review status: criteria provided, single submitter. Criteria: GeneDx Variant Classification Process June 2021. Collection method: clinical testing. Allele origin: germline. Affected: yes.
Comment: Not observed at significant frequency in large population cohorts (gnomAD); In silico analysis supports that this missense variant has a deleterious effect on protein structure/function; Has not been previously published as pathogenic or benign to our knowledge